The following is an entry in ClinVar:

NM_012406.4(PRDM4):c.1074A>G (p.Gln358=)

Genes: PRDM4 (PR/SET domain 4; minus strand), PRDM4-AS1 (PRDM4 antisense RNA 1; plus strand). Cytogenetic location: 12q23.3.
Variant type: single nucleotide variant.
Coding change: c.1074A>G on transcript NM_012406.4 (MANE Select); coding-DNA position 1074, A replaced by G.
Protein change: p.Gln358=; no amino-acid change (glutamine 358 retained).
Molecular consequence: synonymous variant.
Genome position (GRCh38, 1-based): chr12:107,751,467, T>C on the plus strand (A>G on the coding strand, the complement: PRDM4 is on the minus strand). VCF-style: chr12-107751467-T-C. GRCh37 (hg19) VCF-style: chr12-108145244-T-C.
Identifiers: ClinVar variation 3389526 (VCV003389526.14).

ClinVar aggregate classification (germline): Uncertain significance (1 of 4 stars; one submission).

gnomAD v4.1: 89 of 1,613,214 alleles (0.0055%); highest among the groups gnomAD compares: South Asian, 0.089%; no homozygotes.

Submission:

CeGaT Center for Human Genetics Tuebingen
Classification: Uncertain significance. Last evaluated: 2024-10-01. Review status: criteria provided, single submitter. Criteria: CeGaT Center For Human Genetics Tuebingen Variant Classification Criteria Version 2. Collection method: clinical testing. Allele origin: germline. Affected: yes. Observed: 1 variant allele.
Comment: PRDM4: PM2, BP4, BP7